The following is an entry in ClinVar:

ClinVar aggregate classification (germline): Uncertain significance (1 of 4 stars; one submission).

Conditions:
Melnick-Needles syndrome (MNS). Also called: MELNICK-NEEDLES OSTEODYSPLASTY; OSTEODYSPLASTY OF MELNICK AND NEEDLES; Melnick-Needles Syndrome (FLNA-MNS). Identifiers: Orphanet 2484, MedGen C0025237, MONDO:0010650, OMIM 309350.
Heterotopia, periventricular, X-linked dominant (PVNH1). Also called: PERIVENTRICULAR NODULAR HETEROTOPIA 1; X-linked periventricular heterotopia; PERIVENTRICULAR NODULAR HETEROTOPIA 4; HETEROTOPIA, PERIVENTRICULAR, 1. Identifiers: Orphanet 2149, Orphanet 82004, MedGen C1848213, MONDO:0010233, OMIM 300049.
Frontometaphyseal dysplasia (FMD1). Identifiers: Orphanet 1826, MedGen C0265293, MONDO:0015942.
Oto-palato-digital syndrome, type II (OPD2). Also called: FACIOPALATOOSSEOUS SYNDROME; OPD II SYNDROME; Otopalatodigital Syndrome Type 2 (FLNA-OPD2); Otopalatodigital Syndrome, Type II. Identifiers: Orphanet 669, Orphanet 90652, MedGen C1844696, MONDO:0010571, OMIM 304120.

Allele frequency attached by ClinVar (database versions not stated): gnomAD exomes 0.00001.
gnomAD v4.1: 6 of 1,211,547 alleles (0.0005%); highest among the groups gnomAD compares: Non-Finnish European, 0.00067%; no homozygotes.

Submission:

Labcorp Genetics (formerly Invitae), Labcorp
Classification: Uncertain significance for Oto-palato-digital syndrome, type II; Heterotopia, periventricular, X-linked dominant; Frontometaphyseal dysplasia; Melnick-Needles syndrome. Last evaluated: 2024-05-23. Review status: criteria provided, single submitter. Criteria: Invitae Variant Classification Sherloc (09022015). Collection method: clinical testing. Allele origin: germline.
Comment: This sequence change replaces lysine, which is basic and polar, with arginine, which is basic and polar, at codon 493 of the FLNA protein (p.Lys493Arg). This variant is not present in population databases (gnomAD no frequency). This variant has not been reported in the literature in individuals affected with FLNA-related conditions. ClinVar contains an entry for this variant (Variation ID: 2104247). Advanced modeling of protein sequence and biophysical properties (such as structural, functional, and spatial information, amino acid conservation, physicochemical variation, residue mobility, and thermodynamic stability) performed at Invitae indicates that this missense variant is not expected to disrupt FLNA protein function with a negative predictive value of 95%. In summary, the available evidence is currently insufficient to determine the role of this variant in disease. Therefore, it has been classified as a Variant of Uncertain Significance.

NM_001110556.2(FLNA):c.1478A>G (p.Lys493Arg)

Gene: FLNA (filamin A; minus strand). Cytogenetic location: Xq28.
Variant type: single nucleotide variant.
Coding change: c.1478A>G on transcript NM_001110556.2 (MANE Select); coding-DNA position 1478, A replaced by G.
Protein change: p.Lys493Arg; replaces lysine 493 with arginine.
Molecular consequence: missense variant.
Genome position (GRCh38, 1-based): chrX:154,365,438, T>C on the plus strand (A>G on the coding strand, the complement: FLNA is on the minus strand). VCF-style: chrX-154365438-T-C. GRCh37 (hg19) VCF-style: chrX-153593806-T-C.
Other names: c.1478A>G, p.Lys493Arg (NM_001456.4); short protein forms K493R.
Identifiers: ClinVar variation 2104247 (VCV002104247.4), dbSNP rs2522757835, ClinGen allele CA415243486.